The following is an entry in ClinVar:

ClinVar aggregate classification (germline): Uncertain significance. Review status: criteria provided, multiple submitters, no conflicts (2 of 4 stars). 2 submissions from 2 submitters: Uncertain significance (2). Last evaluated 2024-04-20.

Conditions:
Cardiovascular phenotype. Identifiers: MedGen CN230736.

Allele frequency attached by ClinVar (database versions not stated): TOPMed 0.00001; ExAC 0.00002; gnomAD 0.00002.
gnomAD v4.1: 9 of 1,206,781 alleles (0.00075%); highest among the groups gnomAD compares: South Asian, 0.0035%; no homozygotes.

Submissions (2):

Labcorp Genetics (formerly Invitae), Labcorp
Classification: Uncertain significance. Last evaluated: 2024-04-20. Review status: criteria provided, single submitter. Criteria: Invitae Variant Classification Sherloc (09022015). Collection method: clinical testing. Allele origin: germline.
Comment: This sequence change replaces arginine, which is basic and polar, with tryptophan, which is neutral and slightly polar, at codon 72 of the BGN protein (p.Arg72Trp). The frequency data for this variant in the population databases is considered unreliable, as metrics indicate poor data quality at this position in the gnomAD database. This variant has not been reported in the literature in individuals affected with BGN-related conditions. ClinVar contains an entry for this variant (Variation ID: 1786715). Advanced modeling of protein sequence and biophysical properties (such as structural, functional, and spatial information, amino acid conservation, physicochemical variation, residue mobility, and thermodynamic stability) performed at Invitae indicates that this missense variant is not expected to disrupt BGN protein function with a negative predictive value of 80%. Algorithms developed to predict the effect of sequence changes on RNA splicing suggest that this variant may create or strengthen a splice site. In summary, the available evidence is currently insufficient to determine the role of this variant in disease. Therefore, it has been classified as a Variant of Uncertain Significance.

Ambry Genetics
Classification: Uncertain significance for Cardiovascular phenotype. Last evaluated: 2019-12-16. Review status: criteria provided, single submitter. Criteria: Ambry Variant Classification Scheme 2023. Collection method: clinical testing. Allele origin: germline.
Comment: The p.R72W variant (also known as c.214C>T), located in coding exon 1 of the BGN gene, results from a C to T substitution at nucleotide position 214. The arginine at codon 72 is replaced by tryptophan, an amino acid with dissimilar properties. This amino acid position is well conserved in available vertebrate species. In addition, the in silico prediction for this alteration is inconclusive. Since supporting evidence is limited at this time, the clinical significance of this alteration remains unclear.

NM_001711.6(BGN):c.214C>T (p.Arg72Trp)

Gene: BGN (biglycan; plus strand). Cytogenetic location: Xq28.
Variant type: single nucleotide variant.
Coding change: c.214C>T on transcript NM_001711.6 (MANE Select); coding-DNA position 214, C replaced by T.
Protein change: p.Arg72Trp; replaces arginine 72 with tryptophan.
Molecular consequence: missense variant.
Genome position (GRCh38, 1-based): chrX:153,504,845, C>T. VCF-style: chrX-153504845-C-T. GRCh37 (hg19) VCF-style: chrX-152770303-C-T.
Other names: short protein forms R72W.
Identifiers: ClinVar variation 1786715 (VCV001786715.7), dbSNP rs782405568, ClinGen allele CA10547152.